The following is an entry in ClinVar:

NM_001453.3(FOXC1):c.750C>G (p.Ser250Arg)

Gene: FOXC1 (forkhead box C1; plus strand). Cytogenetic location: 6p25.3.
Variant type: single nucleotide variant.
Coding change: c.750C>G on transcript NM_001453.3 (MANE Select); coding-DNA position 750, C replaced by G.
Protein change: p.Ser250Arg; replaces serine 250 with arginine.
Molecular consequence: missense variant.
Genome position (GRCh38, 1-based): chr6:1,611,195, C>G. VCF-style: chr6-1611195-C-G. GRCh37 (hg19) VCF-style: chr6-1611430-C-G.
Other names: short protein forms S250R.
Identifiers: ClinVar variation 1954347 (VCV001954347.5), dbSNP rs2480504076, ClinGen allele CA362559489.

ClinVar aggregate classification (germline): Uncertain significance (1 of 4 stars; one submission).

Conditions:
Axenfeld-Rieger syndrome type 3 (RIEG3). Also called: AXENFELD-RIEGER ANOMALY WITH CARDIAC DEFECTS AND/OR SENSORINEURAL HEARING LOSS. Identifiers: Orphanet 782, MedGen C2678503, MONDO:0011233, OMIM 602482.

Submission:

Labcorp Genetics (formerly Invitae), Labcorp
Classification: Uncertain significance for Axenfeld-Rieger syndrome type 3. Last evaluated: 2024-08-07. Review status: criteria provided, single submitter. Criteria: Invitae Variant Classification Sherloc (09022015). Collection method: clinical testing. Allele origin: germline.
Comment: This sequence change replaces serine, which is neutral and polar, with arginine, which is basic and polar, at codon 250 of the FOXC1 protein (p.Ser250Arg). This variant is not present in population databases (gnomAD no frequency). This variant has not been reported in the literature in individuals affected with FOXC1-related conditions. ClinVar contains an entry for this variant (Variation ID: 1954347). An algorithm developed to predict the effect of missense changes on protein structure and function (PolyPhen-2) suggests that this variant is likely to be tolerated. In summary, the available evidence is currently insufficient to determine the role of this variant in disease. Therefore, it has been classified as a Variant of Uncertain Significance.